The following is an entry in ClinVar:

ClinVar aggregate classification (germline): Benign (1 of 4 stars; one submission).

Allele frequency attached by ClinVar (database versions not stated): TOPMed 0.13543; 1000 Genomes Project 30x 0.13929; 1000 Genomes Project 0.14657; gnomAD 0.15383.
gnomAD v4.1: 111,634 of 588,360 alleles (19%); highest among the groups gnomAD compares: South Asian, 23%; 11,637 homozygotes.

Submission:

Unidad de Genómica Garrahan, Hospital de Pediatría Garrahan
Classification: Benign. Last evaluated: 2024-01-24. Review status: criteria provided, single submitter. Criteria: ACMG Guidelines, 2015. Collection method: clinical testing. Allele origin: germline. Affected: no. Observed: 22 variant alleles.
Comment: This variant is classified as Benign based on local population frequency. This variant was detected in 23% of patients studied by a panel of primary immunodeficiencies. Number of patients: 22. Only high quality variants are reported.

NM_006949.4(STXBP2):c.1357-215G>A

Gene: STXBP2 (syntaxin binding protein 2; plus strand). Cytogenetic location: 19p13.2.
Variant type: single nucleotide variant.
Coding change: c.1357-215G>A on transcript NM_006949.4 (MANE Select); 215 bases into the intron before coding-DNA position 1357, G replaced by A.
Molecular consequence: intron variant.
Genome position (GRCh38, 1-based): chr19:7,646,034, G>A. VCF-style: chr19-7646034-G-A. GRCh37 (hg19) VCF-style: chr19-7710920-G-A.
Other names: c.1261-215G>A (NM_001414484.1); c.1390-215G>A (NM_001272034.2); c.1348-215G>A (NM_001127396.3).
Identifiers: ClinVar variation 2688310 (VCV002688310.2), dbSNP rs1076997, ClinGen allele CA15948432.